The following is an entry in ClinVar:

ClinVar aggregate classification (germline): Uncertain significance. Review status: criteria provided, multiple submitters, no conflicts (2 of 4 stars). 2 submissions from 2 submitters: Uncertain significance (2). Last evaluated 2025-11-26.

Submissions (2):

Ambry Genetics
Classification: Uncertain significance. Last evaluated: 2025-11-26. Review status: criteria provided, single submitter. Criteria: Ambry Variant Classification Scheme 2023. Collection method: clinical testing. Allele origin: germline.
Comment: The c.1311G>C (p.E437D) alteration is located in exon 10 (coding exon 9) of the MICAL1 gene. This alteration results from a G to C substitution at nucleotide position 1311, causing the glutamic acid (E) at amino acid position 437 to be replaced by an aspartic acid (D). Based on data from gnomAD, the C allele has an overall frequency of 0.001% (3/276300) total alleles studied. The highest observed frequency was 0.003% (1/34772) of Latino alleles. Based on insufficient or conflicting evidence, the clinical significance of this alteration remains unclear.

Labcorp Genetics (formerly Invitae), Labcorp
Classification: Uncertain significance. Last evaluated: 2025-03-10. Review status: criteria provided, single submitter. Criteria: Invitae Variant Classification Sherloc (09022015). Collection method: clinical testing. Allele origin: germline.
Comment: This sequence change replaces glutamic acid, which is acidic and polar, with aspartic acid, which is acidic and polar, at codon 456 of the MICAL1 protein (p.Glu456Asp). This variant is present in population databases (rs775010246, gnomAD 0.003%). This variant has not been reported in the literature in individuals affected with MICAL1-related conditions. An algorithm developed to predict the effect of missense changes on protein structure and function (PolyPhen-2) suggests that this variant is likely to be disruptive. In summary, the available evidence is currently insufficient to determine the role of this variant in disease. Therefore, it has been classified as a Variant of Uncertain Significance.

NM_022765.4(MICAL1):c.1311G>C (p.Glu437Asp)

Gene: MICAL1 (microtubule associated monooxygenase, calponin and LIM domain containing 1; minus strand). Cytogenetic location: 6q21.
Variant type: single nucleotide variant.
Coding change: c.1311G>C on transcript NM_022765.4 (MANE Select); coding-DNA position 1311, G replaced by C.
Protein change: p.Glu437Asp; replaces glutamic acid 437 with aspartic acid.
Molecular consequence: missense variant.
Genome position (GRCh38, 1-based): chr6:109,449,780, C>G on the plus strand (G>C on the coding strand, the complement: MICAL1 is on the minus strand). VCF-style: chr6-109449780-C-G. GRCh37 (hg19) VCF-style: chr6-109770983-C-G.
Other names: c.1053G>C, p.Glu351Asp (NM_001159291.2); c.1368G>C, p.Glu456Asp (NM_001286613.2); short protein forms E351D, E456D, E437D.
Identifiers: ClinVar variation 4551532 (VCV004551532.2).